The following is an entry in ClinVar:

ClinVar aggregate classification (germline): Pathogenic (1 of 4 stars; one submission).

Conditions:
Autosomal recessive nonsyndromic hearing loss 29. Identifiers: Orphanet 90636, MedGen C3279660, MONDO:0013537, OMIM 614035.

Submission:

Institute of Rare Diseases, West China Hospital, Sichuan University
Classification: Pathogenic for Autosomal recessive nonsyndromic hearing loss 29. Last evaluated: 2025-01-09. Review status: criteria provided, single submitter. Criteria: ClinGen HL ACMG Specifications v1. Collection method: research. Allele origin: germline. Affected: yes.
Comment: PVS1;PM3_Supporting;PM2_Supporting;PM4

NM_001146079.2(CLDN14):c.554_556del (p.Cys185_Gln186delinsTer)

Genes: CLDN14 (claudin 14; minus strand), CLDN14-AS1 (CLDN14 antisense RNA 1; plus strand). Cytogenetic location: 21q22.13.
Variant type: Deletion.
Coding change: c.554_556del on transcript NM_001146079.2 (MANE Select); coding-DNA positions 554 to 556, 3 bases deleted (GCC; older notation c.554_556delGCC).
Protein change: p.Cys185_Gln186delinsTer.
Molecular consequence: nonsense.
Genome position (GRCh38, 1-based): chr21:36,461,140-36,461,142, GGC deleted on the plus strand (GCC on the coding strand, the reverse complement: CLDN14 is on the minus strand). VCF-style (leftmost placement, unchanged base first): chr21-36461139-TGGC-T. GRCh37 (hg19) VCF-style: chr21-37833437-TGGC-T.
Other names: c.554_556del, p.Cys185_Gln186delinsTer (NM_001146077.2, NM_001146078.3, NM_012130.4 and 1 more transcripts).
Identifiers: ClinVar variation 3601010 (VCV003601010.1).